The following is an entry in ClinVar:

ClinVar aggregate classification (germline): Uncertain significance (1 of 4 stars; one submission).

Conditions:
Early-infantile DEE. Also called: Early infantile epileptic encephalopathy; Ohtahara syndrome; Early infantile epileptic encephalopathy with suppression bursts. Identifiers: Orphanet 1934, MedGen C0393706, MONDO:0800491.

Allele frequency attached by ClinVar (database versions not stated): TOPMed 0.00004; gnomAD 0.00007.

Submission:

Labcorp Genetics (formerly Invitae), Labcorp
Classification: Uncertain significance for Early-infantile DEE. Last evaluated: 2022-07-12. Review status: criteria provided, single submitter. Criteria: Invitae Variant Classification Sherloc (09022015). Collection method: clinical testing. Allele origin: germline.
Comment: In summary, the available evidence is currently insufficient to determine the role of this variant in disease. Therefore, it has been classified as a Variant of Uncertain Significance. Algorithms developed to predict the effect of missense changes on protein structure and function output the following: SIFT: "Tolerated"; PolyPhen-2: "Benign"; Align-GVGD: "Class C0". The serine amino acid residue is found in multiple mammalian species, which suggests that this missense change does not adversely affect protein function. ClinVar contains an entry for this variant (Variation ID: 659886). This variant has not been reported in the literature in individuals affected with CACNA2D2-related conditions. This variant is present in population databases (no rsID available, gnomAD 0.006%). This sequence change replaces asparagine, which is neutral and polar, with serine, which is neutral and polar, at codon 867 of the CACNA2D2 protein (p.Asn867Ser).

NM_006030.4(CACNA2D2):c.2600A>G (p.Asn867Ser)

Genes: CACNA2D2 (calcium voltage-gated channel auxiliary subunit alpha2delta 2; minus strand), LOC101928965 (uncharacterized LOC101928965; plus strand), LOC127898564 (CYB561D2-LOC101928965; plus strand). Cytogenetic location: 3p21.31.
Variant type: single nucleotide variant.
Coding change: c.2600A>G on transcript NM_006030.4 (MANE Select); coding-DNA position 2600, A replaced by G.
Protein change: p.Asn867Ser; replaces asparagine 867 with serine.
Molecular consequence: missense variant.
Genome position (GRCh38, 1-based): chr3:50,366,615, T>C on the plus strand (A>G on the coding strand, the complement: CACNA2D2 is on the minus strand). VCF-style: chr3-50366615-T-C. GRCh37 (hg19) VCF-style: chr3-50404046-T-C.
Other names: c.2600A>G, p.Asn867Ser (NM_001005505.3); c.2621A>G, p.Asn874Ser (NM_001174051.3); c.2393A>G, p.Asn798Ser (NM_001291101.1); short protein forms N874S, N867S, N798S.
Identifiers: ClinVar variation 659886 (VCV000659886.7), dbSNP rs80091654, ClinGen allele CA74607427.